The following is an entry in ClinVar:

ClinVar aggregate classification (germline): Uncertain significance (1 of 4 stars; one submission).

Allele frequency attached by ClinVar (database versions not stated): gnomAD exomes below 0.00001.
gnomAD v4.1: 3 of 1,613,706 alleles (0.00019%); highest among the groups gnomAD compares: Non-Finnish European, 0.00025%; no homozygotes.

Submission:

Labcorp Genetics (formerly Invitae), Labcorp
Classification: Uncertain significance. Last evaluated: 2022-10-13. Review status: criteria provided, single submitter. Criteria: Invitae Variant Classification Sherloc (09022015). Collection method: clinical testing. Allele origin: germline.
Comment: In summary, the available evidence is currently insufficient to determine the role of this variant in disease. Therefore, it has been classified as a Variant of Uncertain Significance. Advanced modeling of protein sequence and biophysical properties (such as structural, functional, and spatial information, amino acid conservation, physicochemical variation, residue mobility, and thermodynamic stability) performed at Invitae indicates that this missense variant is not expected to disrupt CDH23 protein function. This sequence change replaces leucine, which is neutral and non-polar, with valine, which is neutral and non-polar, at codon 2003 of the CDH23 protein (p.Leu2003Val). This variant is not present in population databases (gnomAD no frequency). This variant has not been reported in the literature in individuals affected with CDH23-related conditions.

NM_022124.6(CDH23):c.6007C>G (p.Leu2003Val)

Gene: CDH23 (cadherin related 23; plus strand). Cytogenetic location: 10q22.1.
Variant type: single nucleotide variant.
Coding change: c.6007C>G on transcript NM_022124.6 (MANE Select); coding-DNA position 6007, C replaced by G.
Protein change: p.Leu2003Val; replaces leucine 2003 with valine.
Molecular consequence: missense variant.
Genome position (GRCh38, 1-based): chr10:71,790,371, C>G. VCF-style: chr10-71790371-C-G. GRCh37 (hg19) VCF-style: chr10-73550128-C-G.
Other names: short protein forms L2003V.
Identifiers: ClinVar variation 2108189 (VCV002108189.4), dbSNP rs2494374689, ClinGen allele CA377150959.